The following is an entry in ClinVar:

ClinVar aggregate classification (germline): Benign/Likely benign. Review status: criteria provided, multiple submitters, no conflicts (2 of 4 stars). 3 submissions from 3 submitters: Benign (1); Likely benign (2). Last evaluated 2024-11-29.

gnomAD v4.1: 685 of 1,458,268 alleles (0.047%); highest among the groups gnomAD compares: Non-Finnish European, 0.015%; 9 homozygotes.

Submissions (3):

Labcorp Genetics (formerly Invitae), Labcorp
Classification: Benign. Last evaluated: 2024-11-29. Review status: criteria provided, single submitter. Criteria: Invitae Variant Classification Sherloc (09022015). Collection method: clinical testing. Allele origin: germline.

Blueprint Genetics
Classification: Likely benign. Last evaluated: 2024-09-13. Review status: criteria provided, single submitter. Criteria: ACMG Guidelines, 2015. Collection method: clinical testing. Allele origin: germline.

Mayo Clinic Laboratories, Mayo Clinic
Classification: Likely benign. Last evaluated: 2022-11-21. Review status: criteria provided, single submitter. Criteria: ACMG Guidelines, 2015. Collection method: clinical testing. Allele origin: germline. Observed: 2 variant alleles.
Comment: BP4, BP7

NM_001142864.4(PIEZO1):c.3204C>T (p.Pro1068=)

Gene: PIEZO1 (piezo type mechanosensitive ion channel component 1 (Er blood group); minus strand). Cytogenetic location: 16q24.3.
Variant type: single nucleotide variant.
Coding change: c.3204C>T on transcript NM_001142864.4 (MANE Select); coding-DNA position 3204, C replaced by T.
Protein change: p.Pro1068=; no amino-acid change (proline 1068 retained).
Molecular consequence: synonymous variant.
Genome position (GRCh38, 1-based): chr16:88,727,654, G>A on the plus strand (C>T on the coding strand, the complement: PIEZO1 is on the minus strand). VCF-style: chr16-88727654-G-A. GRCh37 (hg19) VCF-style: chr16-88794062-G-A.
Other names: p.Pro1068=.
Identifiers: ClinVar variation 3713142 (VCV003713142.4).